The following is an entry in ClinVar:

ClinVar aggregate classification (germline): Benign/Likely benign. Review status: criteria provided, multiple submitters, no conflicts (2 of 4 stars). 5 submissions from 5 submitters: Benign (1); Likely benign (4). Last evaluated 2025-02-26.

Conditions:
Inborn genetic diseases. Identifiers: MedGen C0950123, MeSH D030342.
Developmental and epileptic encephalopathy, 1 (DEE1). Also called: X-linked infantile spasms; West's syndrome; Tonic spasms with clustering, arrest of psychomotor development and hypsarrhythmia on EEG; X-Linked Infantile Spasm Syndrome; OHTAHARA SYNDROME, X-LINKED; INFANTILE SPASM SYNDROME, X-LINKED 1. Identifiers: MedGen C3463992, MONDO:0010632, OMIM 308350. Disease mechanism: loss of function.
Corpus callosum agenesis-abnormal genitalia syndrome. Also called: PROUD SYNDROME; ACC WITH ABNORMAL GENITALIA. Identifiers: Orphanet 2508, MedGen C0796124, MONDO:0010224, OMIM 300004.
Partington syndrome (PRTS). Also called: Mental retardation-dystonic movements-ataxia-seizures syndrome; MENTAL RETARDATION, X-LINKED 36; MENTAL RETARDATION, X-LINKED, SYNDROMIC 1; MENTAL RETARDATION, X-LINKED, WITH DYSTONIC MOVEMENTS, ATAXIA, AND SEIZURES. Identifiers: Orphanet 94083, MedGen C0796250, MONDO:0010654, OMIM 309510.
X-linked lissencephaly with abnormal genitalia. Identifiers: Orphanet 452, MedGen C1846171, MONDO:0010268, OMIM 300215.
Intellectual disability, X-linked, with or without seizures, ARX-related. Also called: MENTAL RETARDATION, X-LINKED 29; MENTAL RETARDATION, X-LINKED 32; MENTAL RETARDATION, X-LINKED 33; MENTAL RETARDATION, X-LINKED 38; MENTAL RETARDATION, X-LINKED 43; MENTAL RETARDATION, X-LINKED 76. Identifiers: Orphanet 777, MedGen C0796244, MONDO:0010317, OMIM 300419.

Allele frequency attached by ClinVar (database versions not stated): ExAC below 0.00001; gnomAD 0.00001; gnomAD exomes 0.00001; TOPMed 0.00001.

Submissions (5):

Labcorp Genetics (formerly Invitae), Labcorp
Classification: Likely benign for Developmental and epileptic encephalopathy, 1; Intellectual disability, X-linked, with or without seizures, ARX-related. Last evaluated: 2025-02-26. Review status: criteria provided, single submitter. Criteria: Invitae Variant Classification Sherloc (09022015). Collection method: clinical testing. Allele origin: germline.

Fulgent Genetics
Classification: Likely benign for Corpus callosum agenesis-abnormal genitalia syndrome; X-linked lissencephaly with abnormal genitalia; Intellectual disability, X-linked, with or without seizures, ARX-related; Developmental and epileptic encephalopathy, 1; Partington syndrome. Last evaluated: 2021-10-21. Review status: criteria provided, single submitter. Criteria: ACMG Guidelines, 2015. Collection method: clinical testing. Allele origin: unknown.

GeneDx
Classification: Likely benign. Last evaluated: 2017-12-08. Review status: criteria provided, single submitter. Criteria: GeneDx Variant Classification (06012015). Collection method: clinical testing. Allele origin: germline. Affected: yes.
Comment: This variant is considered likely benign or benign based on one or more of the following criteria: it is a conservative change, it occurs at a poorly conserved position in the protein, it is predicted to be benign by multiple in silico algorithms, and/or has population frequency not consistent with disease.

Ambry Genetics
Classification: Likely benign for Inborn genetic diseases. Last evaluated: 2016-10-12. Review status: criteria provided, single submitter. Criteria: Ambry Variant Classification Scheme 2023. Collection method: clinical testing. Allele origin: germline.

Genetic Services Laboratory, University of Chicago
Classification: Benign. Last evaluated: 2013-02-08. Review status: criteria provided, single submitter. Criteria: ACMG Guidelines, 2007. Collection method: clinical testing. Allele origin: germline. Inheritance: X-linked inheritance.

NM_139058.3(ARX):c.807C>T (p.Ala269=)

Gene: ARX (aristaless related homeobox; minus strand). Cytogenetic location: Xp21.3.
Variant type: single nucleotide variant.
Coding change: c.807C>T on transcript NM_139058.3 (MANE Select); coding-DNA position 807, C replaced by T.
Protein change: p.Ala269=; no amino-acid change (alanine 269 retained).
Molecular consequence: synonymous variant.
Genome position (GRCh38, 1-based): chrX:25,013,188, G>A on the plus strand (C>T on the coding strand, the complement: ARX is on the minus strand). VCF-style: chrX-25013188-G-A. GRCh37 (hg19) VCF-style: chrX-25031305-G-A.
Identifiers: ClinVar variation 157762 (VCV000157762.22), dbSNP rs587783205, ClinGen allele CA171162.